The following is an entry in ClinVar:

NM_001372044.2(SHANK3):c.4747_4748del (p.Thr1583fs)

Gene: SHANK3 (SH3 and multiple ankyrin repeat domains 3; plus strand). Cytogenetic location: 22q13.33.
Variant type: Microsatellite.
Coding change: c.4747_4748del on transcript NM_001372044.2 (MANE Select); coding-DNA positions 4747 to 4748, 2 bases deleted (AC; older notation c.4747_4748delAC).
Protein change: p.Thr1583fs; shifts the reading frame from threonine 1583.
Molecular consequence: frameshift variant.
Genome position (GRCh38, 1-based): chr22:50,722,355-50,722,356, AC deleted; deleting any 2 consecutive bases within chr22:50,722,353-50,722,356 gives the same sequence; the c. name uses the placement nearest the transcript's 3' end. VCF-style (leftmost placement, unchanged base first): chr22-50722352-GAC-G. GRCh37 (hg19) VCF-style: chr22-51160780-GAC-G.
Other names: c.4522_4523delAC (NM_033517.1); c.4522_4523del (NM_033517.1); short protein forms T1583fs.
Identifiers: ClinVar variation 450027 (VCV000450027.3), dbSNP rs1555910299, ClinGen allele CA658658925.

ClinVar aggregate classification (germline): Pathogenic (1 of 4 stars; one submission).

Submission:

GeneDx
Classification: Pathogenic. Last evaluated: 2025-03-12. Review status: criteria provided, single submitter. Criteria: GeneDx Variant Classification Process June 2021. Collection method: clinical testing. Allele origin: germline. Affected: yes.
Comment: Frameshift variant predicted to result in abnormal protein length as the last 224 amino acid(s) are replaced with 33 different amino acid(s), and other similar variants have been reported in HGMD; Not observed at significant frequency in large population cohorts (gnomAD); This variant is associated with the following publications: (PMID: 33057194, 35982159)